The following is an entry in ClinVar:

ClinVar aggregate classification (germline): Uncertain significance (1 of 4 stars; one submission).

Submission:

GeneDx
Classification: Uncertain significance. Last evaluated: 2025-07-10. Review status: criteria provided, single submitter. Criteria: GeneDx Variant Classification Process June 2021. Collection method: clinical testing. Allele origin: germline. Affected: yes.
Comment: Not observed at significant frequency in large population cohorts (gnomAD); In silico analysis supports that this missense variant has a deleterious effect on protein structure/function; Has not been previously published as pathogenic or benign to our knowledge

NM_000540.3(RYR1):c.7934C>G (p.Thr2645Ser)

Gene: RYR1 (ryanodine receptor 1; plus strand). Cytogenetic location: 19q13.2.
Variant type: single nucleotide variant.
Coding change: c.7934C>G on transcript NM_000540.3 (MANE Select); coding-DNA position 7934, C replaced by G.
Protein change: p.Thr2645Ser; replaces threonine 2645 with serine.
Molecular consequence: missense variant.
Genome position (GRCh38, 1-based): chr19:38,504,227, C>G. VCF-style: chr19-38504227-C-G. GRCh37 (hg19) VCF-style: chr19-38994867-C-G.
Other names: c.7934C>G, p.Thr2645Ser (NM_001042723.2); short protein forms T2645S.
Identifiers: ClinVar variation 4685022 (VCV004685022.1).